The following is an entry in ClinVar:

NM_024301.5(FKRP):c.970G>C (p.Glu324Gln)

Gene: FKRP (fukutin related protein; plus strand). Cytogenetic location: 19q13.32.
Variant type: single nucleotide variant.
Coding change: c.970G>C on transcript NM_024301.5 (MANE Select); coding-DNA position 970, G replaced by C.
Protein change: p.Glu324Gln; replaces glutamic acid 324 with glutamine.
Molecular consequence: missense variant.
Genome position (GRCh38, 1-based): chr19:46,756,420, G>C. VCF-style: chr19-46756420-G-C. GRCh37 (hg19) VCF-style: chr19-47259677-G-C.
Other names: c.970G>C (NM_024301.4); c.970G>C, p.Glu324Gln (NM_001039885.3); short protein forms E324Q.
Identifiers: ClinVar variation 1039237 (VCV001039237.4), dbSNP rs886044183, ClinGen allele CA406496382.

ClinVar aggregate classification (germline): Uncertain significance. Review status: criteria provided, multiple submitters, no conflicts (2 of 4 stars). 3 submissions from 3 submitters: Uncertain significance (2). 1 of the submissions does not count toward it. Last evaluated 2023-07-28.

Conditions:
Walker-Warburg congenital muscular dystrophy. Also called: Muscular dystrophy-dystroglycanopathy, type A; Walker-Warburg syndrome. Identifiers: Orphanet 899, MedGen C0265221, MONDO:0000171.
Autosomal recessive limb-girdle muscular dystrophy type 2I. Also called: MUSCULAR DYSTROPHY-DYSTROGLYCANOPATHY (LIMB-GIRDLE), TYPE C, 5; MUSCULAR DYSTROPHY-DYSTROGLYCANOPATHY, LIMB-GIRDLE, FRKP-RELATED; MUSCULAR DYSTROPHY, LIMB-GIRDLE, TYPE 2I. Identifiers: Orphanet 34515, MedGen C1846672, MONDO:0011787, OMIM 607155.

Allele frequency attached by ClinVar (database versions not stated): TOPMed below 0.00001; gnomAD 0.00001.
gnomAD v4.1: 5 of 1,577,982 alleles (0.00032%); highest among the groups gnomAD compares: Admixed American, 0.0037%; no homozygotes.

Submissions (3):

Women's Health and Genetics/Laboratory Corporation of America, LabCorp
Classification: Uncertain significance. Last evaluated: 2023-07-28. Review status: criteria provided, single submitter. Criteria: LabCorp Variant Classification Summary - May 2015. Collection method: clinical testing. Allele origin: germline.
Comment: Variant summary: FKRP c.970G>C (p.Glu324Gln) results in a conservative amino acid change in the encoded protein sequence. Four of five in-silico tools predict a damaging effect of the variant on protein function. The variant was absent in 182402 control chromosomes. The available data on variant occurrences in the general population are insufficient to allow any conclusion about variant significance. c.970G>C has been reported in the literature in one individual affected with FKRP-related myopathy (Lubieniecki_2014). These report(s) do not provide unequivocal conclusions about association of the variant with Limb-Girdle Muscular Dystrophy, Autosomal Recessive. To our knowledge, no experimental evidence demonstrating an impact on protein function has been reported. Two submitters have cited clinical-significance assessments for this variant to ClinVar after 2014. All submitters classified the variant as uncertain significance. Based on the evidence outlined above, the variant was classified as uncertain significance.

Labcorp Genetics (formerly Invitae), Labcorp
Classification: Uncertain significance for Walker-Warburg congenital muscular dystrophy. Last evaluated: 2022-05-03. Review status: criteria provided, single submitter. Criteria: Invitae Variant Classification Sherloc (09022015). Collection method: clinical testing. Allele origin: germline.
Comment: This sequence change replaces glutamic acid, which is acidic and polar, with glutamine, which is neutral and polar, at codon 324 of the FKRP protein (p.Glu324Gln). This variant is not present in population databases (gnomAD no frequency). This variant has not been reported in the literature in individuals affected with FKRP-related conditions. ClinVar contains an entry for this variant (Variation ID: 1039237). Algorithms developed to predict the effect of missense changes on protein structure and function are either unavailable or do not agree on the potential impact of this missense change (SIFT: "Tolerated"; PolyPhen-2: "Probably Damaging"; Align-GVGD: "Class C0"). In summary, the available evidence is currently insufficient to determine the role of this variant in disease. Therefore, it has been classified as a Variant of Uncertain Significance.

Natera, Inc.
Classification: Uncertain significance for Limb-girdle muscular dystrophy type 2I. Last evaluated: 2021-05-04. Review status: no assertion criteria provided. Collection method: clinical testing. Allele origin: germline. Not counted in ClinVar's aggregate classification.